The following is an entry in ClinVar:

NM_016472.5(GSKIP):c.82A>T (p.Thr28Ser)

Gene: GSKIP (GSK3B interacting protein; plus strand). Cytogenetic location: 14q32.2.
Variant type: single nucleotide variant.
Coding change: c.82A>T on transcript NM_016472.5 (MANE Select); coding-DNA position 82, A replaced by T.
Protein change: p.Thr28Ser; replaces threonine 28 with serine.
Molecular consequence: missense variant.
Genome position (GRCh38, 1-based): chr14:96,382,329, A>T. VCF-style: chr14-96382329-A-T. GRCh37 (hg19) VCF-style: chr14-96848666-A-T.
Other names: c.82A>T (NM_016472.3); c.82A>T, p.Thr28Ser (NM_001271904.1, NM_001271905.2, NM_001271906.2); short protein forms T28S.
Identifiers: ClinVar variation 2443138 (VCV002443138.3), dbSNP rs1294989957, ClinGen allele CA390908156.

ClinVar aggregate classification (germline): Uncertain significance. Review status: criteria provided, single submitter (1 of 4 stars). 2 submissions from 2 submitters: Uncertain significance (1). 1 of the submissions does not count toward it. Last evaluated 2025-08-25.

Allele frequency attached by ClinVar (database versions not stated): gnomAD exomes below 0.00001; TOPMed below 0.00001; gnomAD 0.00001.
gnomAD v4.1: 7 of 1,613,668 alleles (0.00043%); highest among the groups gnomAD compares: Middle Eastern, 0.016%; no homozygotes.

Submissions (2):

Ambry Genetics
Classification: Uncertain significance. Last evaluated: 2025-08-25. Review status: criteria provided, single submitter. Criteria: Ambry Variant Classification Scheme 2023. Collection method: clinical testing. Allele origin: germline.

Genetic Services Laboratory, University of Chicago
Classification: Uncertain significance. Last evaluated: 2022-11-22. Review status: no assertion criteria provided. Collection method: clinical testing. Allele origin: germline. Affected: no. Not counted in ClinVar's aggregate classification.
Comment: DNA sequence analysis of the GSKIP gene demonstrated a sequence change, c.82A>T, in exon 3 that results in an amino acid change, p.Thr28Ser. This sequence change does not appear to have been previously described in individuals with GSKIP-related disorders. This sequence change has been described in the gnomAD database with a global population frequency of 0.001% (dbSNP rs1294989957). The p.Thr28Ser change affects a poorly conserved amino acid residue located in a domain of the GSKIP protein that is known to be functional. The p.Thr28Ser substitution appears to be benign using several in-silico pathogenicity prediction tools (SIFT, PolyPhen2, Align GVGD, REVEL). Due to insufficient evidences and the lack of functional studies, the clinical significance of the p.Thr28Ser change remains unknown at this time.